The following is an entry in ClinVar:

ClinVar aggregate classification (germline): Likely benign. Review status: criteria provided, multiple submitters, no conflicts (2 of 4 stars). 2 submissions from 2 submitters: Likely benign (2). Last evaluated 2026-04-01.

Allele frequency attached by ClinVar (database versions not stated): 1000 Genomes Project 0.00120; 1000 Genomes Project 30x 0.00125.
gnomAD v4.1: 3,995 of 1,609,628 alleles (0.25%); highest among the groups gnomAD compares: Non-Finnish European, 0.31%; 10 homozygotes.

Submissions (2):

CeGaT Center for Human Genetics Tuebingen
Classification: Likely benign. Last evaluated: 2026-04-01. Review status: criteria provided, single submitter. Criteria: CeGaT Center For Human Genetics Tuebingen Variant Classification Criteria Version 2. Collection method: clinical testing. Allele origin: germline. Affected: yes. Observed: 15 variant alleles.
Comment: WWOX: BP4, BP7

Blueprint Genetics
Classification: Likely benign. Last evaluated: 2023-03-16. Review status: criteria provided, single submitter. Criteria: ACMG Guidelines, 2015. Collection method: clinical testing. Allele origin: germline.

NM_016373.4(WWOX):c.*53C>T

Genes: MAF (MAF bZIP transcription factor; minus strand), WWOX (WW domain containing oxidoreductase; plus strand). Cytogenetic location: 16q23.2.
Variant type: single nucleotide variant.
Coding change: c.*53C>T on transcript NM_016373.4 (MANE Select); 53 bases downstream of the stop codon, C replaced by T.
Molecular consequence: 3 prime UTR variant.
Genome position (GRCh38, 1-based): chr16:79,211,849, C>T. VCF-style: chr16-79211849-C-T. GRCh37 (hg19) VCF-style: chr16-79245746-C-T.
Other names: c.*53C>T (NM_001291997.2).
Identifiers: ClinVar variation 1675634 (VCV001675634.34), dbSNP rs146481440, ClinGen allele CA8183846.
Genomic context (GRCh38, chr16:79,211,849, plus strand): 5'-CCGGCTAAGTGGAGCTCAGAGCGGATGGGCACACACACCCGCCCTGTGTGTGTCCCCTCA[C>T]GCAAGTGCCAGGGCTGGGCCCCTTCCAAATGTCCCTCCAACACAGATCCGCAAGAGTAAA-3'